The following is an entry in ClinVar:

ClinVar aggregate classification (germline): Benign/Likely benign. Review status: criteria provided, multiple submitters, no conflicts (2 of 4 stars). 9 submissions from 9 submitters: Benign (5); Likely benign (2). 2 of the submissions do not count toward it. Last evaluated 2025-07-17.

Conditions:
Focal segmental glomerulosclerosis (FSGS). Also called: Glomerulosclerosis, focal; Focal sclerosis with hyalinosis. Identifiers: MedGen C0017668, MONDO:0100313, HP:0000097. Disease mechanism: loss of function.

Submissions (9):

ARUP Laboratories, Molecular Genetics and Genomics, ARUP Laboratories
Classification: Benign. Last evaluated: 2025-07-17. Review status: criteria provided, single submitter. Criteria: ARUP Molecular Germline Variant Investigation Process 2024. Collection method: clinical testing. Allele origin: germline.

Laboratory of Genetics, Children's Clinical University Hospital Latvia
Classification: Likely benign. Last evaluated: 2025-02-16. Review status: criteria provided, single submitter. Criteria: ACMG Guidelines, 2015. Collection method: clinical testing. Allele origin: germline. Affected: yes.

Blueprint Genetics
Classification: Likely benign. Last evaluated: 2024-11-27. Review status: criteria provided, single submitter. Criteria: ACMG Guidelines, 2015. Collection method: clinical testing. Allele origin: germline.

Mayo Clinic Laboratories, Mayo Clinic
Classification: Benign. Last evaluated: 2023-02-13. Review status: criteria provided, single submitter. Criteria: ACMG Guidelines, 2015. Collection method: clinical testing. Allele origin: germline. Observed: 205 variant alleles.
Comment: BA1, BP3

Genome Diagnostics Laboratory, The Hospital for Sick Children
Classification: Benign for Focal segmental glomerulosclerosis. Last evaluated: 2022-09-27. Review status: criteria provided, single submitter. Criteria: ACMG Guidelines, 2015. Collection method: clinical testing. Allele origin: germline.

Eurofins Ntd Llc (ga)
Classification: Benign. Last evaluated: 2017-01-18. Review status: criteria provided, single submitter. Criteria: EGL Classification Definitions 2015. Collection method: clinical testing. Allele origin: germline. Observed: 3 variant alleles, 3 heterozygotes.

GeneDx
Classification: Benign. Last evaluated: 2016-01-18. Review status: criteria provided, single submitter. Criteria: GeneDx Variant Classification Process June 2021. Collection method: clinical testing. Allele origin: germline. Affected: yes.
Comment: This variant is associated with the following publications: (PMID: 33226606)

Clinical Genetics, Academic Medical Center
Classification: Benign. Review status: no assertion criteria provided. Collection method: clinical testing. Allele origin: germline. Affected: yes. Study: VKGL Data-share Consensus. Not counted in ClinVar's aggregate classification.

Genome Diagnostics Laboratory, University Medical Center Utrecht
Classification: Benign. Review status: no assertion criteria provided. Collection method: clinical testing. Allele origin: germline. Affected: yes. Study: VKGL Data-share Consensus. Not counted in ClinVar's aggregate classification.

NM_022489.4(INF2):c.1262CACCCC[3] (p.Pro427_Pro428del)

Gene: INF2 (inverted formin 2; plus strand). Cytogenetic location: 14q32.33.
Variant type: Microsatellite.
Coding change: c.1262CACCCC[3] on transcript NM_022489.4 (MANE Select); three copies in a row of the 6-base unit CACCCC starting at c.1262; the reference has four copies in a row; one copy, 6 bases deleted; also written c.1280_1285del.
Protein change: p.Pro427_Pro428del.
Molecular consequence: inframe deletion.
Genome position (GRCh38, 1-based): chr14:104,707,547-104,707,552, CACCCC deleted; deleting any 6 consecutive bases within chr14:104,707,526-104,707,552 gives the same sequence; the position shown is the placement nearest the transcript's 3' end. VCF-style (leftmost placement, unchanged base first): chr14-104707525-ACCCCAC-A. GRCh37 (hg19) VCF-style: chr14-105173862-ACCCCAC-A.
Other names: p.Pro427_Pro428del; c.1262CACCCC[3], p.Pro427_Pro428del (NM_001031714.4); c.1280_1285del (NM_022489.4).
Identifiers: ClinVar variation 312687 (VCV000312687.31), dbSNP rs573567814, ClinGen allele CA7372534.